The following is an entry in ClinVar:

NC_000015.9:g.(?_89373457)_(89382130_?)del

Gene: ACAN (aggrecan; plus strand). Cytogenetic location: 15q26.1.
Variant type: Deletion.
Identifiers: ClinVar variation 3243883 (VCV003243883.1).

ClinVar aggregate classification (germline): Pathogenic (1 of 4 stars; one submission).

Submission:

Labcorp Genetics (formerly Invitae), Labcorp
Classification: Pathogenic. Last evaluated: 2023-08-03. Review status: criteria provided, single submitter. Criteria: Invitae Variant Classification Sherloc (09022015). Collection method: clinical testing. Allele origin: unknown.
Comment: For these reasons, this variant has been classified as Pathogenic. This variant has not been reported in the literature in individuals affected with ACAN-related conditions. This variant results in the deletion of exon 2 and part of exon 3 (c.-7-5974_307del) of the ACAN gene. It is expected to result in an absent or disrupted protein product. Loss-of-function variants in ACAN are known to be pathogenic (PMID: 16080123, 24762113).

Literature cited by the submitters: PubMed 16080123; PubMed 24762113.